The following is an entry in ClinVar:

NM_007294.4(BRCA1):c.2185G>A (p.Glu729Lys)

Gene: BRCA1 (BRCA1 DNA repair associated; minus strand). Cytogenetic location: 17q21.31.
Variant type: single nucleotide variant.
Coding change: c.2185G>A on transcript NM_007294.4 (MANE Select); coding-DNA position 2185, G replaced by A.
Protein change: p.Glu729Lys; replaces glutamic acid 729 with lysine.
Molecular consequence: missense variant. On other transcripts: intron variant (137).
Genome position (GRCh38, 1-based): chr17:43,093,346, C>T on the plus strand (G>A on the coding strand, the complement: BRCA1 is on the minus strand). VCF-style: chr17-43093346-C-T. GRCh37 (hg19) VCF-style: chr17-41245363-C-T.
Other names: c.1972G>A, p.Glu658Lys (NM_001407571.1, NM_001407853.1, NM_001407894.1 and 9 more transcripts); c.2185G>A, p.Glu729Lys (NM_001407581.1, NM_001407582.1, NM_001407583.1 and 30 more transcripts); c.2182G>A, p.Glu728Lys (NM_001407587.1, NM_001407590.1, NM_001407591.1 and 22 more transcripts); c.2176G>A, p.Glu726Lys (NM_001407646.1, NM_001407647.1); c.2062G>A, p.Glu688Lys (NM_001407648.1, NM_001407664.1, NM_001407665.1 and 19 more transcripts); c.2059G>A, p.Glu687Lys (NM_001407649.1, NM_001407670.1, NM_001407671.1 and 11 more transcripts); c.2107G>A, p.Glu703Lys (NM_001407653.1, NM_001407654.1, NM_001407655.1 and 4 more transcripts); c.2104G>A, p.Glu702Lys (NM_001407659.1, NM_001407660.1, NM_001407661.1 and 1 more transcripts); and 41 more; short protein forms E729K, E682K, E601K, E617K, E726K, E602K, E640K, E659K.
Identifiers: ClinVar variation 232579 (VCV000232579.9), dbSNP rs876659852, ClinGen allele CA10580631.

ClinVar aggregate classification (germline): Conflicting classifications of pathogenicity. Review status: criteria provided, conflicting classifications (1 of 4 stars). 3 submissions from 3 submitters: Uncertain significance (2); Likely benign (1). Last evaluated 2026-01-01.

Conditions:
Hereditary breast ovarian cancer syndrome. Also called: Hereditary breast and ovarian cancer syndrome; BRCA1- and BRCA2-Associated Hereditary Breast and Ovarian Cancer; Breast and ovarian cancer; Hereditary breast and/or ovarian cancer syndrome; Hereditary breast and ovarian cancer; Hereditary breast and ovarian cancer syndrome (HBOC). Identifiers: Orphanet 145, MedGen C0677776, MeSH D061325, MONDO:0003582. Disease mechanism: loss of function.
Hereditary cancer-predisposing syndrome. Also called: Neoplastic Syndromes, Hereditary; Tumor predisposition; Hereditary Cancer Syndrome; Hereditary neoplastic syndrome. Identifiers: Orphanet 140162, MedGen C0027672, MeSH D009386, MONDO:0015356.

Submissions (3):

Labcorp Genetics (formerly Invitae), Labcorp
Classification: Uncertain significance for Hereditary breast ovarian cancer syndrome. Last evaluated: 2026-01-01. Review status: criteria provided, single submitter. Criteria: Invitae Variant Classification Sherloc (09022015). Collection method: clinical testing. Allele origin: germline.
Comment: This sequence change replaces glutamic acid, which is acidic and polar, with lysine, which is basic and polar, at codon 729 of the BRCA1 protein (p.Glu729Lys). This variant is not present in population databases (gnomAD no frequency). This variant has not been reported in the literature in individuals affected with BRCA1-related conditions. ClinVar contains an entry for this variant (Variation ID: 232579). Invitae Evidence Modeling of protein sequence and biophysical properties (such as structural, functional, and spatial information, amino acid conservation, physicochemical variation, residue mobility, and thermodynamic stability) indicates that this missense variant is not expected to disrupt BRCA1 protein function with a negative predictive value of 80%. In summary, the available evidence is currently insufficient to determine the role of this variant in disease. Therefore, it has been classified as a Variant of Uncertain Significance.

University of Washington Department of Laboratory Medicine, University of Washington
Classification: Likely benign for Hereditary cancer-predisposing syndrome. Last evaluated: 2023-03-23. Review status: criteria provided, single submitter. Criteria: Dines et al. (Genet Med. 2020). Collection method: curation. Allele origin: germline.
Comment: Missense variant in a coldspot region where missense variants are very unlikely to be pathogenic (PMID:31911673).

BRCA1 coldspot (exon 11 using historical exon numbering). Reclassification based on statistical prior probability

Ambry Genetics
Classification: Uncertain significance for Hereditary cancer-predisposing syndrome. Last evaluated: 2015-06-28. Review status: criteria provided, single submitter. Criteria: Ambry Variant Classification Scheme 2023. Collection method: clinical testing. Allele origin: germline.
Comment: The p.E729K variant (also known as c.2185G>A and 2304G>A), located in coding exon 9 of the BRCA1 gene, results from a G to A substitution at nucleotide position 2185. The glutamic acid at codon 729 is replaced by lysine, an amino acid with similar properties. This variant was not reported in population based cohorts in the following databases: Database of Single Nucleotide Polymorphisms (dbSNP), NHLBI Exome Sequencing Project (ESP), and 1000 Genomes Project. In the ESP, this variant was not observed in 6503 samples (13006 alleles) with coverage at this position. To date, this alteration has been detected with an allele frequency of approximately 0.001% (greater than 150000 alleles tested) in our clinical cohort. This amino acid position is not well conserved in available vertebrate species. In addition, the in silico prediction for this alteration is inconclusive. Since supporting evidence is limited at this time, the clinical significance of p.E729K remains unclear.